The following is an entry in ClinVar:

ClinVar aggregate classification (germline): Uncertain significance (1 of 4 stars; one submission).

Submission:

GeneDx
Classification: Uncertain significance. Last evaluated: 2022-10-07. Review status: criteria provided, single submitter. Criteria: GeneDx Variant Classification Process June 2021. Collection method: clinical testing. Allele origin: germline. Affected: yes.
Comment: Not observed at significant frequency in large population cohorts (gnomAD); In silico analysis supports that this missense variant has a deleterious effect on protein structure/function; Previously reported as a paternally inherited variant in an adult with autism; however additional clinical information was not provided (Guo H et al., 2018); This variant is associated with the following publications: (PMID: 30564305)

NM_001349338.3(FOXP1):c.564G>A (p.Met188Ile)

Gene: FOXP1 (forkhead box P1; minus strand). Cytogenetic location: 3p13.
Variant type: single nucleotide variant.
Coding change: c.564G>A on transcript NM_001349338.3 (MANE Select); coding-DNA position 564, G replaced by A.
Protein change: p.Met188Ile; replaces methionine 188 with isoleucine.
Molecular consequence: missense variant. On other transcripts: non-coding transcript variant (2).
Genome position (GRCh38, 1-based): chr3:71,047,042, C>T on the plus strand (G>A on the coding strand, the complement: FOXP1 is on the minus strand). VCF-style: chr3-71047042-C-T. GRCh37 (hg19) VCF-style: chr3-71096193-C-T.
Other names: c.564G>A, p.Met188Ile (NM_001244808.3, NM_001244810.2, NM_001244814.3 and 4 more transcripts); c.336G>A, p.Met112Ile (NM_001244812.3); c.264G>A, p.Met88Ile (NM_001244813.3, NM_001244815.2, NM_001349342.3 and 1 more transcripts); c.261G>A, p.Met87Ile (NM_001349337.2, NM_001349343.3, NM_001349344.3); c.561G>A, p.Met187Ile (NM_001349341.3); short protein forms M112I, M187I, M188I, M87I, M88I.
Identifiers: ClinVar variation 2497980 (VCV002497980.1), dbSNP rs2106975302, ClinGen allele CA353563390.
Genomic context (GRCh38, chr3:71,047,042, plus strand): 5'-CTGAATTGTCAGAAGGCCTTGGCGCTGCAAAGACAGGAGGTGCTGCTGCTGTAACTGCTG[C>T]ATCTGTAAAAGCTGCTGCTGAAAAGCCAACTGCTGGGTAGCCACCTGCTGTTGCTGTAAG-3'
Protein context (NP_001336267.1, residues 178-198): QLAFQQQLLQ[Met188Ile]QQLQQQHLLS